The following is an entry in ClinVar:

ClinVar aggregate classification (germline): Likely benign (1 of 4 stars; one submission).

Allele frequency attached by ClinVar (database versions not stated): gnomAD exomes 0.00001.
gnomAD v4.1: 8 of 1,211,375 alleles (0.00066%); highest among the groups gnomAD compares: Middle Eastern, 0.023%; no homozygotes.

Submission:

CeGaT Center for Human Genetics Tuebingen
Classification: Likely benign. Last evaluated: 2024-01-01. Review status: criteria provided, single submitter. Criteria: CeGaT Center For Human Genetics Tuebingen Variant Classification Criteria Version 2. Collection method: clinical testing. Allele origin: germline. Affected: yes. Observed: 2 variant alleles.
Comment: FRMPD4: BP4, BP7

NM_001368397.1(FRMPD4):c.3558T>C (p.Ser1186=)

Gene: FRMPD4 (FERM and PDZ domain containing 4; plus strand). Cytogenetic location: Xp22.2.
Variant type: single nucleotide variant.
Coding change: c.3558T>C on transcript NM_001368397.1 (MANE Select); coding-DNA position 3558, T replaced by C.
Protein change: p.Ser1186=; no amino-acid change (serine 1186 retained).
Molecular consequence: synonymous variant.
Genome position (GRCh38, 1-based): chrX:12,718,384, T>C. VCF-style: chrX-12718384-T-C. GRCh37 (hg19) VCF-style: chrX-12736503-T-C.
Other names: c.3669T>C, p.Ser1223= (NM_001368395.3, NM_001368398.3); c.3564T>C, p.Ser1188= (NM_001368396.3); c.3549T>C, p.Ser1183= (NM_001368399.3); c.3438T>C, p.Ser1146= (NM_001368400.3); c.3534T>C, p.Ser1178= (NM_001368401.1, NM_001368402.3); c.3558T>C, p.Ser1186= (NM_014728.3).
Identifiers: ClinVar variation 2660012 (VCV002660012.24), dbSNP rs1350467659, ClinGen allele CA515623174.